The following is an entry in ClinVar:

ClinVar aggregate classification (germline): Uncertain significance (1 of 4 stars; one submission).

gnomAD v4.1: 2 of 1,609,406 alleles (0.00012%); highest among the groups gnomAD compares: Non-Finnish European, 0.00017%; no homozygotes.

Submission:

Labcorp Genetics (formerly Invitae), Labcorp
Classification: Uncertain significance. Last evaluated: 2025-12-08. Review status: criteria provided, single submitter. Criteria: Invitae Variant Classification Sherloc (09022015). Collection method: clinical testing. Allele origin: germline.
Comment: This sequence change replaces cysteine, which is neutral and slightly polar, with tryptophan, which is neutral and slightly polar, at codon 472 of the TNFRSF11A protein (p.Cys472Trp). This variant is present in population databases (no rsID available, gnomAD 0.0009%). This variant has not been reported in the literature in individuals affected with TNFRSF11A-related conditions. An algorithm developed to predict the effect of missense changes on protein structure and function (PolyPhen-2) suggests that this variant is likely to be disruptive. In summary, the available evidence is currently insufficient to determine the role of this variant in disease. Therefore, it has been classified as a Variant of Uncertain Significance.

NM_003839.4(TNFRSF11A):c.1416C>G (p.Cys472Trp)

Gene: TNFRSF11A (TNF receptor superfamily member 11a; plus strand). Cytogenetic location: 18q21.33.
Variant type: single nucleotide variant.
Coding change: c.1416C>G on transcript NM_003839.4 (MANE Select); coding-DNA position 1416, C replaced by G.
Protein change: p.Cys472Trp; replaces cysteine 472 with tryptophan.
Molecular consequence: missense variant. On other transcripts: intron variant (3).
Genome position (GRCh38, 1-based): chr18:62,369,333, C>G. VCF-style: chr18-62369333-C-G. GRCh37 (hg19) VCF-style: chr18-60036566-C-G.
Other names: c.1374C>G, p.Cys458Trp (NM_001278268.2); c.783+2573C>G (NM_001270949.2); c.730+7540C>G (NM_001270950.2); c.616+9284C>G (NM_001270951.2); short protein forms C458W, C472W.
Identifiers: ClinVar variation 4762968 (VCV004762968.1).